The following is an entry in ClinVar:

NM_213653.4(HJV):c.98-6C>G

Gene: HJV (hemojuvelin BMP co-receptor; minus strand). Cytogenetic location: 1q21.1.
Variant type: single nucleotide variant.
Coding change: c.98-6C>G on transcript NM_213653.4 (MANE Select); 6 bases into the intron before coding-DNA position 98, C replaced by G.
Molecular consequence: intron variant.
Genome position (GRCh38, 1-based): chr1:146,019,740, G>C on the plus strand (C>G on the coding strand, the complement: HJV is on the minus strand). VCF-style: chr1-146019740-G-C. GRCh37 (hg19) VCF-style: chr1-145415273-C-G.
Other names: c.-21-1040C>G (NM_213652.4); c.-58-6C>G (NM_202004.4, NM_001316767.2); c.-242-6C>G (NM_145277.5); c.98-6C>G (NM_001379352.1).
Identifiers: ClinVar variation 220423 (VCV000220423.28), dbSNP rs56025621, ClinGen allele CA348161.

ClinVar aggregate classification (germline): Benign. Review status: criteria provided, multiple submitters, no conflicts (2 of 4 stars). 6 submissions from 6 submitters: Benign (5). 1 of the submissions does not count toward it. Last evaluated 2026-02-04.

Conditions:
Hemochromatosis type 2A (HFE2A). Also called: HJV (HFE2)-Related Juvenile Hemochromatosis; Adult-Onset Hemochromatosis. Identifiers: Orphanet 79230, MedGen C1865614, MONDO:0011216, OMIM 602390.

Allele frequency attached by ClinVar (database versions not stated): 1000 Genomes Project 30x 0.00515; 1000 Genomes Project 0.00519; TOPMed 0.01560; gnomAD exomes 0.01765; gnomAD 0.01788 and 0.01841; ExAC 0.01843; ESP Exome Variant Server 0.02184.

Submissions (9):

Labcorp Genetics (formerly Invitae), Labcorp
Classification: Benign. Last evaluated: 2026-02-04. Review status: criteria provided, single submitter. Criteria: Invitae Variant Classification Sherloc (09022015). Collection method: clinical testing. Allele origin: germline.

Center for Genomic Medicine, Rigshospitalet, Copenhagen University Hospital
Classification: Benign. Last evaluated: 2025-03-04. Review status: criteria provided, single submitter. Criteria: ACMG Guidelines, 2015. Collection method: clinical testing. Allele origin: germline.

Illumina Laboratory Services, Illumina
Classification: Benign for Hemochromatosis type 2A. Last evaluated: 2018-01-13. Review status: criteria provided, single submitter. Criteria: ICSL Variant Classification Criteria 13 December 2019. Collection method: clinical testing. Allele origin: germline.
Comment: This variant was observed in the ICSL laboratory as part of a predisposition screen in an ostensibly healthy population. It had not been previously curated by ICSL or reported in the Human Gene Mutation Database (HGMD: prior to June 1st, 2018), and was therefore a candidate for classification through an automated scoring system. Utilizing variant allele frequency, disease prevalence and penetrance estimates, and inheritance mode, an automated score was calculated to assess if this variant is too frequent to cause the disease. Based on the score and internal cut-off values, a variant classified as benign is not then subjected to further curation. The score for this variant resulted in a classification of benign for this disease.

Breakthrough Genomics
Classification: Benign. Review status: criteria provided, single submitter. Criteria: ACMG Guidelines, 2015. Collection method: not provided. Allele origin: germline. Inheritance: Autosomal recessive inheritance. Affected: yes.

PreventionGenetics, part of Exact Sciences
Classification: Benign. Review status: criteria provided, single submitter. Criteria: ACMG Guidelines, 2015. Collection method: clinical testing. Allele origin: germline.

Natera, Inc.
Classification: Benign for Hemochromatosis type 2A. Last evaluated: 2019-09-09. Review status: no assertion criteria provided. Collection method: clinical testing. Allele origin: germline. Not counted in ClinVar's aggregate classification.

Dr. Peter K. Rogan Lab, Western University
No classification provided (evidence only). Condition: Nonpapillary renal cell carcinoma. Review status: no classification provided. Collection method: in vitro. Allele origin: not applicable. Functional consequence: retained intron. Not counted in ClinVar's aggregate classification.

Dr. Peter K. Rogan Lab, Western University
No classification provided (evidence only). Condition: Familial pancreatic carcinoma. Review status: no classification provided. Collection method: in vitro. Allele origin: not applicable. Functional consequence: retained intron. Not counted in ClinVar's aggregate classification.

Dr. Peter K. Rogan Lab, Western University
No classification provided (evidence only). Condition: Lymphoma. Review status: no classification provided. Collection method: in vitro. Allele origin: not applicable. Functional consequence: retained intron. Not counted in ClinVar's aggregate classification.